The following is an entry in ClinVar:

NM_001348716.2(KDM6B):c.2197C>T (p.Gln733Ter)

Gene: KDM6B (lysine demethylase 6B; plus strand). Cytogenetic location: 17p13.1.
Variant type: single nucleotide variant.
Coding change: c.2197C>T on transcript NM_001348716.2 (MANE Select); coding-DNA position 2197, C replaced by T.
Protein change: p.Gln733Ter; replaces glutamine 733 with a stop codon.
Molecular consequence: nonsense.
Genome position (GRCh38, 1-based): chr17:7,848,485, C>T. VCF-style: chr17-7848485-C-T. GRCh37 (hg19) VCF-style: chr17-7751803-C-T.
Other names: c.2197C>T, p.Gln733Ter (NM_001080424.2); short protein forms Q733*.
Identifiers: ClinVar variation 3033049 (VCV003033049.2), dbSNP rs2544526628, ClinGen allele CA397919191.

ClinVar aggregate classification (germline): Likely pathogenic (0 of 4 stars; one submission).

Conditions:
KDM6B-related disorder. Also called: KDM6B-related condition.

Submission:

PreventionGenetics, part of Exact Sciences
Classification: Likely pathogenic for KDM6B-related condition. Last evaluated: 2023-11-13. Review status: no assertion criteria provided. Collection method: clinical testing. Allele origin: germline.
Comment: The KDM6B c.2197C>T variant is predicted to result in premature protein termination (p.Gln733*). To our knowledge, this variant has not been reported in the literature or in a large population database, indicating this variant is rare. Nonsense variants in KDM6B are expected to be pathogenic. This variant is interpreted as likely pathogenic.